The following is an entry in ClinVar:

ClinVar aggregate classification (germline): Uncertain significance (1 of 4 stars; one submission).

Conditions:
Perlman syndrome (PRLMNS). Identifiers: Orphanet 2849, MedGen C0796113, MONDO:0009965, OMIM 267000.

Submission:

Labcorp Genetics (formerly Invitae), Labcorp
Classification: Uncertain significance for Perlman syndrome. Last evaluated: 2021-09-29. Review status: criteria provided, single submitter. Criteria: Invitae Variant Classification Sherloc (09022015). Collection method: clinical testing. Allele origin: germline.
Comment: This sequence change replaces threonine with isoleucine at codon 662 of the DIS3L2 protein (p.Thr662Ile). The threonine residue is moderately conserved and there is a moderate physicochemical difference between threonine and isoleucine. This variant is not present in population databases (ExAC no frequency). This variant has not been reported in the literature in individuals affected with DIS3L2-related conditions. Algorithms developed to predict the effect of missense changes on protein structure and function output the following: SIFT: "Deleterious"; PolyPhen-2: "Possibly Damaging"; Align-GVGD: "Class C15". The isoleucine amino acid residue is found in multiple mammalian species, which suggests that this missense change does not adversely affect protein function. In summary, the available evidence is currently insufficient to determine the role of this variant in disease. Therefore, it has been classified as a Variant of Uncertain Significance.

NM_152383.5(DIS3L2):c.1985C>T (p.Thr662Ile)

Gene: DIS3L2 (DIS3 like 3'-5' exoribonuclease 2; plus strand). Cytogenetic location: 2q37.1.
Variant type: single nucleotide variant.
Coding change: c.1985C>T on transcript NM_152383.5 (MANE Select); coding-DNA position 1985, C replaced by T.
Protein change: p.Thr662Ile; replaces threonine 662 with isoleucine.
Molecular consequence: missense variant. On other transcripts: non-coding transcript variant (2), intron variant (1).
Genome position (GRCh38, 1-based): chr2:232,330,751, C>T. VCF-style: chr2-232330751-C-T. GRCh37 (hg19) VCF-style: chr2-233195461-C-T.
Other names: c.1582-12594C>T (NM_001257281.2); short protein forms T662I.
Identifiers: ClinVar variation 1425521 (VCV001425521.3), dbSNP rs2106349147, ClinGen allele CA350976699.
Genomic context (GRCh38, chr2:232,330,751, plus strand): 5'-AAAGCCTGACCCAAACATTTGGAGATGACAAGTACTCACTGGCCCGCAAGGAGGTGCTCA[C>T]CAACATGTGCTCCCGGCCCATGCAGGTAAGGAGGGCCCAGCCCCGGCCTCCCCTGCTCCC-3'
Protein context (NP_689596.4, residues 652-672): KYSLARKEVL[Thr662Ile]NMCSRPMQMA